The following is an entry in ClinVar:

ClinVar aggregate classification (germline): Likely benign. Review status: criteria provided, multiple submitters, no conflicts (2 of 4 stars). 3 submissions from 3 submitters: Likely benign (3). Last evaluated 2025-01-23.

Conditions:
Cerebral creatine deficiency syndrome. Also called: Creatine deficiency syndromes. Identifiers: Orphanet 79172, MedGen C5244016, MONDO:0000456.

Allele frequency attached by ClinVar (database versions not stated): gnomAD exomes below 0.00001.
gnomAD v4.1: 5 of 1,536,276 alleles (0.00033%); highest among the groups gnomAD compares: Admixed American, 0.0037%; no homozygotes.

Submissions (3):

Labcorp Genetics (formerly Invitae), Labcorp
Classification: Likely benign for Cerebral creatine deficiency syndrome. Last evaluated: 2025-01-23. Review status: criteria provided, single submitter. Criteria: Invitae Variant Classification Sherloc (09022015). Collection method: clinical testing. Allele origin: germline.

CeGaT Center for Human Genetics Tuebingen
Classification: Likely benign. Last evaluated: 2024-01-01. Review status: criteria provided, single submitter. Criteria: CeGaT Center For Human Genetics Tuebingen Variant Classification Criteria Version 2. Collection method: clinical testing. Allele origin: germline. Affected: yes. Observed: 1 variant allele.
Comment: GAMT: BP4, BP7

GeneDx
Classification: Likely benign. Last evaluated: 2017-01-27. Review status: criteria provided, single submitter. Criteria: GeneDx Variant Classification (06012015). Collection method: clinical testing. Allele origin: germline. Affected: yes.
Comment: This variant is considered likely benign or benign based on one or more of the following criteria: it is a conservative change, it occurs at a poorly conserved position in the protein, it is predicted to be benign by multiple in silico algorithms, and/or has population frequency not consistent with disease.

NM_000156.6(GAMT):c.141C>A (p.Thr47=)

Genes: GAMT (guanidinoacetate N-methyltransferase; minus strand), LOC130062945 (ATAC-STARR-seq lymphoblastoid silent region 9707; plus strand). Cytogenetic location: 19p13.3.
Variant type: single nucleotide variant.
Coding change: c.141C>A on transcript NM_000156.6 (MANE Select); coding-DNA position 141, C replaced by A.
Protein change: p.Thr47=; no amino-acid change (threonine 47 retained).
Molecular consequence: synonymous variant.
Genome position (GRCh38, 1-based): chr19:1,401,336, G>T on the plus strand (C>A on the coding strand, the complement: GAMT is on the minus strand). VCF-style: chr19-1401336-G-T. GRCh37 (hg19) VCF-style: chr19-1401335-G-T.
Other names: c.141C>A, p.Thr47= (NM_138924.3).
Identifiers: ClinVar variation 478012 (VCV000478012.31), dbSNP rs1442811967, ClinGen allele CA504731622.
Genomic context (GRCh38, chr19:1,401,336, plus strand): 5'-GCAGGCCGGGCGGGGGCTACCTTTGGAGGAGGCGGCGGCGGCCAGCGCGTGCATATAGGG[G>T]GTCTCCCAGCGCTCCATCACCGGCTTGCCCAGGATGCGCAGGTGCGTGTCCGCTGCGTCG-3'
Protein context (NP_000147.1, residues 37-57): LGKPVMERWE[Thr47=]PYMHALAAAA